The following is an entry in ClinVar:

NM_001009944.3(PKD1):c.9296del (p.Asp3099fs)

Gene: PKD1 (polycystin 1, transient receptor potential channel interacting; minus strand). Cytogenetic location: 16p13.3.
Variant type: Deletion.
Coding change: c.9296del on transcript NM_001009944.3 (MANE Select); coding-DNA position 9296, one base deleted (A; older notation c.9296delA).
Protein change: p.Asp3099fs; shifts the reading frame from aspartic acid 3099.
Molecular consequence: frameshift variant.
Genome position (GRCh38, 1-based): chr16:2,102,162, T deleted on the plus strand (A on the coding strand, the reverse complement: PKD1 is on the minus strand). VCF-style (leftmost placement, unchanged base first): chr16-2102161-GT-G. GRCh37 (hg19) VCF-style: chr16-2152162-GT-G.
Other names: c.9296del, p.Asp3099fs (NM_000296.4); c.9296delA, p.Asp3099Alafs (NM_001009944.2); short protein forms D3099fs.
Identifiers: ClinVar variation 2506654 (VCV002506654.2), dbSNP rs2544730531, ClinGen allele CA2580612693.

ClinVar aggregate classification (germline): Pathogenic. Review status: criteria provided, multiple submitters, no conflicts (2 of 4 stars). 2 submissions from 2 submitters: Pathogenic (2). Last evaluated 2024-03-01.

Conditions:
Polycystic kidney disease, adult type (PKD1). Also called: Polycystic Kidney Disease 1, Autosomal Dominant; Polycystic kidney disease 1; Polycystic kidney disease 1, severe; Polycystic Kidney, Autosomal Dominant; POLYCYSTIC KIDNEY DISEASE, ADULT, TYPE I; POLYCYSTIC KIDNEY DISEASE 1 WITH OR WITHOUT POLYCYSTIC LIVER DISEASE. Identifiers: MedGen C3149841, MONDO:0008263, OMIM 173900.

Submissions (2):

Fulgent Genetics
Classification: Pathogenic for Polycystic kidney disease, adult type. Last evaluated: 2024-03-01. Review status: criteria provided, single submitter. Criteria: ACMG Guidelines, 2015. Collection method: clinical testing. Allele origin: germline.

GeneDx
Classification: Pathogenic. Last evaluated: 2023-06-21. Review status: criteria provided, single submitter. Criteria: GeneDx Variant Classification Process June 2021. Collection method: clinical testing. Allele origin: germline. Affected: yes.
Comment: Frameshift variant predicted to result in protein truncation or nonsense mediated decay in a gene for which loss of function is a known mechanism of disease; Not observed at significant frequency in large population cohorts (gnomAD); Has not been previously published as pathogenic or benign to our knowledge